The following is an entry in ClinVar:

ClinVar aggregate classification (germline): Uncertain significance (1 of 4 stars; one submission).

Conditions:
Hereditary pancreatitis (PCTT). Also called: Hereditary chronic pancreatitis; PRSS1-Related Hereditary Pancreatitis. Identifiers: Orphanet 676, MedGen C0238339, MONDO:0008185, OMIM 167800.

gnomAD v4.1: 1 of 1,614,098 alleles (0.000062%); highest among the groups gnomAD compares: Non-Finnish European, 0.000085%; no homozygotes.

Submission:

Ambry Genetics
Classification: Uncertain significance for Hereditary pancreatitis. Last evaluated: 2024-08-17. Review status: criteria provided, single submitter. Criteria: Ambry Variant Classification Scheme 2023. Collection method: clinical testing. Allele origin: germline.
Comment: The p.F184L variant (also known as c.550T>C), located in coding exon 4 of the PRSS1 gene, results from a T to C substitution at nucleotide position 550. The phenylalanine at codon 184 is replaced by leucine, an amino acid with highly similar properties. This amino acid position is conserved. In addition, this alteration is predicted to be tolerated by in silico analysis. Based on the available evidence, the clinical significance of this variant remains unclear.

NM_002769.5(PRSS1):c.550T>C (p.Phe184Leu)

Genes: TRB (T cell receptor beta locus; plus strand), PRSS1 (serine protease 1; plus strand). Cytogenetic location: 7q34.
Variant type: single nucleotide variant.
Coding change: c.550T>C on transcript NM_002769.5 (MANE Select); coding-DNA position 550, T replaced by C.
Protein change: p.Phe184Leu; replaces phenylalanine 184 with leucine.
Molecular consequence: missense variant. On other transcripts: non-coding transcript variant (5).
Genome position (GRCh38, 1-based): chr7:142,752,526, T>C. VCF-style: chr7-142752526-T-C. GRCh37 (hg19) VCF-style: chr7-142460377-T-C.
Other names: short protein forms F184L.
Identifiers: ClinVar variation 3426315 (VCV003426315.1).